The following is an entry in ClinVar:

ClinVar aggregate classification (germline): Uncertain significance (1 of 4 stars; one submission).

gnomAD v4.1: 2 of 1,613,956 alleles (0.00012%); highest among the groups gnomAD compares: African/African-American, 0.0013%; no homozygotes.

Submission:

GeneDx
Classification: Uncertain significance. Last evaluated: 2024-10-28. Review status: criteria provided, single submitter. Criteria: GeneDx Variant Classification Process June 2021. Collection method: clinical testing. Allele origin: germline. Affected: yes.
Comment: In silico analysis indicates that this missense variant does not alter protein structure/function; Has not been previously published as pathogenic or benign to our knowledge; Occurs in the triple helical domain at the Y position in the canonical Gly-X-Y repeat; although this variant may have an effect on normal protein folding and function, missense substitution at the Y position is not a common mechanism of disease (HGMD)

NM_001844.5(COL2A1):c.2975G>A (p.Arg992Lys)

Gene: COL2A1 (collagen type II alpha 1 chain; minus strand). Cytogenetic location: 12q13.11.
Variant type: single nucleotide variant.
Coding change: c.2975G>A on transcript NM_001844.5 (MANE Select); coding-DNA position 2975, G replaced by A.
Protein change: p.Arg992Lys; replaces arginine 992 with lysine.
Molecular consequence: missense variant.
Genome position (GRCh38, 1-based): chr12:47,978,319, C>T on the plus strand (G>A on the coding strand, the complement: COL2A1 is on the minus strand). VCF-style: chr12-47978319-C-T. GRCh37 (hg19) VCF-style: chr12-48372102-C-T.
Other names: c.2768G>A, p.Arg923Lys (NM_033150.3); short protein forms R923K, R992K.
Identifiers: ClinVar variation 3893637 (VCV003893637.1).